The following is an entry in ClinVar:

ClinVar aggregate classification (germline): Pathogenic (1 of 4 stars; one submission).

Submission:

GeneDx
Classification: Pathogenic. Last evaluated: 2023-09-18. Review status: criteria provided, single submitter. Criteria: GeneDx Variant Classification Process June 2021. Collection method: clinical testing. Allele origin: germline. Affected: yes.
Comment: Located in the highly conserved Gly-X-Y repeat of the collagenous domain; Glycine substitution variants in this region of the COLVII protein destabilize the collagen triple helix resulting in skin fragility due to poor anchoring of the basement membrane to the underlying dermis (Pfendner and Lucky, 2018); Not observed in large population cohorts (gnomAD); In silico analysis supports that this missense variant has a deleterious effect on protein structure/function; In silico analysis is inconclusive as to whether the variant alters gene splicing. In the absence of RNA/functional studies, the actual effect of this sequence change is unknown.; This variant is associated with the following publications: (PMID: 31001817, 23106673)

NM_000094.4(COL7A1):c.7247G>T (p.Gly2416Val)

Gene: COL7A1 (collagen type VII alpha 1 chain; minus strand). Cytogenetic location: 3p21.31.
Variant type: single nucleotide variant.
Coding change: c.7247G>T on transcript NM_000094.4 (MANE Select); coding-DNA position 7247, G replaced by T.
Protein change: p.Gly2416Val; replaces glycine 2416 with valine.
Molecular consequence: missense variant.
Genome position (GRCh38, 1-based): chr3:48,570,886, C>A on the plus strand (G>T on the coding strand, the complement: COL7A1 is on the minus strand). VCF-style: chr3-48570886-C-A. GRCh37 (hg19) VCF-style: chr3-48608319-C-A.
Other names: short protein forms G2416V.
Identifiers: ClinVar variation 1334336 (VCV001334336.4), dbSNP rs769933448, ClinGen allele CA352649941.